The following is an entry in ClinVar:

NM_006565.4(CTCF):c.1755G>A (p.Gly585=)

Gene: CTCF (CCCTC-binding factor; plus strand). Cytogenetic location: 16q22.1.
Variant type: single nucleotide variant.
Coding change: c.1755G>A on transcript NM_006565.4 (MANE Select); coding-DNA position 1755, G replaced by A.
Protein change: p.Gly585=; no amino-acid change (glycine 585 retained).
Molecular consequence: synonymous variant.
Genome position (GRCh38, 1-based): chr16:67,629,451, G>A. VCF-style: chr16-67629451-G-A. GRCh37 (hg19) VCF-style: chr16-67663354-G-A.
Other names: c.771G>A, p.Gly257= (NM_001191022.2); c.1755G>A, p.Gly585= (NM_001363916.2).
Identifiers: ClinVar variation 1314895 (VCV001314895.13), dbSNP rs772552097, ClinGen allele CA8112764.

ClinVar aggregate classification (germline): Likely benign. Review status: criteria provided, multiple submitters, no conflicts (2 of 4 stars). 4 submissions from 4 submitters: Likely benign (3). 1 of the submissions does not count toward it. Last evaluated 2025-04-01.

Conditions:
Inborn genetic diseases. Identifiers: MedGen C0950123, MeSH D030342.
CTCF-related disorder. Also called: CTCF-related condition. Identifiers: MedGen CN381101.

Allele frequency attached by ClinVar (database versions not stated): ExAC 0.00001; gnomAD exomes 0.00002 and 0.00009; gnomAD 0.00005 and 0.00006; TOPMed 0.00006.

Submissions (4):

CeGaT Center for Human Genetics Tuebingen
Classification: Likely benign. Last evaluated: 2025-04-01. Review status: criteria provided, single submitter. Criteria: CeGaT Center For Human Genetics Tuebingen Variant Classification Criteria Version 2. Collection method: clinical testing. Allele origin: germline. Affected: yes. Observed: 1 variant allele.
Comment: CTCF: BP4, BP7

GeneDx
Classification: Likely benign. Last evaluated: 2021-04-26. Review status: criteria provided, single submitter. Criteria: GeneDx Variant Classification Process June 2021. Collection method: clinical testing. Allele origin: germline. Affected: yes.

Ambry Genetics
Classification: Likely benign for Inborn genetic diseases. Last evaluated: 2019-11-21. Review status: criteria provided, single submitter. Criteria: Ambry Variant Classification Scheme 2023. Collection method: clinical testing. Allele origin: germline.

PreventionGenetics, part of Exact Sciences
Classification: Likely benign for CTCF-related condition. Last evaluated: 2024-07-31. Review status: no assertion criteria provided. Collection method: clinical testing. Allele origin: germline. Not counted in ClinVar's aggregate classification.
Comment: This variant is classified as likely benign based on ACMG/AMP sequence variant interpretation guidelines (Richards et al. 2015 PMID: 25741868, with internal and published modifications).